The following is an entry in ClinVar:

ClinVar aggregate classification (germline): Uncertain significance. Review status: criteria provided, multiple submitters, no conflicts (2 of 4 stars). 3 submissions from 3 submitters: Uncertain significance (3). Last evaluated 2023-01-17.

Conditions:
Cardiovascular phenotype. Identifiers: MedGen CN230736.
Long QT syndrome (LQTS). Identifiers: MedGen C0023976, MeSH D008133, MONDO:0002442. Disease mechanism: loss of function. Inheritance: Various modes of inheritance.

Allele frequency attached by ClinVar (database versions not stated): gnomAD exomes 0.00001 and 0.00002; TOPMed below 0.00001; ExAC 0.00001.

Submissions (3):

Labcorp Genetics (formerly Invitae), Labcorp
Classification: Uncertain significance for Long QT syndrome. Last evaluated: 2023-01-17. Review status: criteria provided, single submitter. Criteria: Invitae Variant Classification Sherloc (09022015). Collection method: clinical testing. Allele origin: germline.
Comment: This variant has not been reported in the literature in individuals affected with SNTA1-related conditions. In summary, the available evidence is currently insufficient to determine the role of this variant in disease. Therefore, it has been classified as a Variant of Uncertain Significance. Advanced modeling of protein sequence and biophysical properties (such as structural, functional, and spatial information, amino acid conservation, physicochemical variation, residue mobility, and thermodynamic stability) performed at Invitae indicates that this missense variant is not expected to disrupt SNTA1 protein function. ClinVar contains an entry for this variant (Variation ID: 190913). This variant is present in population databases (rs776064801, gnomAD 0.003%). This sequence change replaces arginine, which is basic and polar, with lysine, which is basic and polar, at codon 258 of the SNTA1 protein (p.Arg258Lys).

Ambry Genetics
Classification: Uncertain significance for Cardiovascular phenotype. Last evaluated: 2021-02-19. Review status: criteria provided, single submitter. Criteria: Ambry Variant Classification Scheme 2023. Collection method: clinical testing. Allele origin: germline.
Comment: The p.R258K variant (also known as c.773G>A), located in coding exon 4 of the SNTA1 gene, results from a G to A substitution at nucleotide position 773. The arginine at codon 258 is replaced by lysine, an amino acid with highly similar properties. This amino acid position is not well conserved in available vertebrate species. In addition, this alteration is predicted to be tolerated by in silico analysis. Since supporting evidence is limited at this time, the clinical significance of this alteration remains unclear.

GeneDx
Classification: Uncertain significance. Last evaluated: 2012-09-12. Review status: criteria provided, single submitter. Criteria: GeneDx Variant Classification (06012015). Collection method: clinical testing. Allele origin: germline. Affected: yes.
Comment: The Arg258Lys variant in the SNTA1 gene has not been reported as a disease-causing mutation or as a benign polymorphism to our knowledge. Arg258Lys results in a conservative amino acid substitution of one positively charged amino acid with another. This position is not conserved across species as Lysine is present at codon 258 in cow and dog. In silico analysis predicts Arg258Lys is benign to the protein structure/function. Nevertheless, the NHLBI ESP Exome Variant Server reports Arg258Lys was not observed in approximately 6,500 samples from individuals of European and African American backgrounds, indicating it is not a common benign variant in these populations. With the clinical and molecular information available at this time, we cannot definitively determine if Arg258Lys is a disease-causing mutation or a rare benign variant. The pathogenic role for this variant would be further supported if it occurred de novo in an individual or if it co-segregates with a LQTS phenotype in a family.The variant is found in LQT panel(s).

NM_003098.3(SNTA1):c.773G>A (p.Arg258Lys)

Gene: SNTA1 (syntrophin alpha 1; minus strand). Cytogenetic location: 20q11.21.
Variant type: single nucleotide variant.
Coding change: c.773G>A on transcript NM_003098.3 (MANE Select); coding-DNA position 773, G replaced by A.
Protein change: p.Arg258Lys; replaces arginine 258 with lysine.
Molecular consequence: missense variant.
Genome position (GRCh38, 1-based): chr20:33,412,711, C>T on the plus strand (G>A on the coding strand, the complement: SNTA1 is on the minus strand). VCF-style: chr20-33412711-C-T. GRCh37 (hg19) VCF-style: chr20-32000517-C-T.
Other names: p.R258K:AGG>AAG; short protein forms R258K.
Identifiers: ClinVar variation 190913 (VCV000190913.7), dbSNP rs776064801, ClinGen allele CA302270.